The following is an entry in ClinVar:

NM_003978.5(PSTPIP1):c.1078C>T (p.Pro360Ser)

Gene: PSTPIP1 (proline-serine-threonine phosphatase interacting protein 1; plus strand). Cytogenetic location: 15q24.3.
Variant type: single nucleotide variant.
Coding change: c.1078C>T on transcript NM_003978.5 (MANE Select); coding-DNA position 1078, C replaced by T.
Protein change: p.Pro360Ser; replaces proline 360 with serine.
Molecular consequence: missense variant. On other transcripts: non-coding transcript variant (1).
Genome position (GRCh38, 1-based): chr15:77,035,894, C>T. VCF-style: chr15-77035894-C-T. GRCh37 (hg19) VCF-style: chr15-77328235-C-T.
Other names: c.1021C>T, p.Pro341Ser (NM_001321135.2); c.1051C>T, p.Pro351Ser (NM_001321136.2); c.1273C>T, p.Pro425Ser (NM_001321137.1); c.1069C>T, p.Pro357Ser (NM_001411086.1); short protein forms P425S, P357S, P341S, P351S, P360S.
Identifiers: ClinVar variation 3640623 (VCV003640623.2).

ClinVar aggregate classification (germline): Uncertain significance (1 of 4 stars; one submission).

Conditions:
Pyogenic arthritis-pyoderma gangrenosum-acne syndrome (PAPA). Also called: PAPA SYNDROME; FAMILIAL RECURRENT ARTHRITIS. Identifiers: Orphanet 69126, MedGen C1858361, MONDO:0011462, OMIM 604416.

Submission:

Labcorp Genetics (formerly Invitae), Labcorp
Classification: Uncertain significance for Pyogenic arthritis-pyoderma gangrenosum-acne syndrome. Last evaluated: 2024-02-14. Review status: criteria provided, single submitter. Criteria: Invitae Variant Classification Sherloc (09022015). Collection method: clinical testing. Allele origin: germline.
Comment: This sequence change replaces proline, which is neutral and non-polar, with serine, which is neutral and polar, at codon 360 of the PSTPIP1 protein (p.Pro360Ser). This variant is not present in population databases (gnomAD no frequency). This variant has not been reported in the literature in individuals affected with PSTPIP1-related conditions. Algorithms developed to predict the effect of missense changes on protein structure and function output the following: SIFT: "Not Available"; PolyPhen-2: "Benign"; Align-GVGD: "Not Available". The serine amino acid residue is found in multiple mammalian species, which suggests that this missense change does not adversely affect protein function. In summary, the available evidence is currently insufficient to determine the role of this variant in disease. Therefore, it has been classified as a Variant of Uncertain Significance.